The following is an entry in ClinVar:

NM_006329.4(FBLN5):c.173T>C (p.Met58Thr)

Gene: FBLN5 (fibulin 5; minus strand). Cytogenetic location: 14q32.12.
Variant type: single nucleotide variant.
Coding change: c.173T>C on transcript NM_006329.4 (MANE Select); coding-DNA position 173, T replaced by C.
Protein change: p.Met58Thr; replaces methionine 58 with threonine.
Molecular consequence: missense variant.
Genome position (GRCh38, 1-based): chr14:91,937,153, A>G on the plus strand (T>C on the coding strand, the complement: FBLN5 is on the minus strand). VCF-style: chr14-91937153-A-G. GRCh37 (hg19) VCF-style: chr14-92403497-A-G.
Other names: c.296T>C, p.Met99Thr (NM_001384158.1); c.224T>C, p.Met75Thr (NM_001384159.1); c.173T>C, p.Met58Thr (NM_001384160.1); c.5T>C, p.Met2Thr (NM_001384161.1, NM_001384162.1); short protein forms M75T, M2T, M99T, M58T.
Identifiers: ClinVar variation 3648781 (VCV003648781.2).

ClinVar aggregate classification (germline): Uncertain significance (1 of 4 stars; one submission).

Submission:

Labcorp Genetics (formerly Invitae), Labcorp
Classification: Uncertain significance. Last evaluated: 2024-04-04. Review status: criteria provided, single submitter. Criteria: Invitae Variant Classification Sherloc (09022015). Collection method: clinical testing. Allele origin: germline.
Comment: This sequence change replaces methionine, which is neutral and non-polar, with threonine, which is neutral and polar, at codon 58 of the FBLN5 protein (p.Met58Thr). This variant is not present in population databases (gnomAD no frequency). This variant has not been reported in the literature in individuals affected with FBLN5-related conditions. An algorithm developed to predict the effect of missense changes on protein structure and function (PolyPhen-2) suggests that this variant is likely to be tolerated. In summary, the available evidence is currently insufficient to determine the role of this variant in disease. Therefore, it has been classified as a Variant of Uncertain Significance.